The following is an entry in ClinVar:

ClinVar aggregate classification (germline): Pathogenic/Likely pathogenic. Review status: criteria provided, multiple submitters, no conflicts (2 of 4 stars). 3 submissions from 3 submitters: Pathogenic (2); Likely pathogenic (1). Last evaluated 2025-01-10.

Conditions:
Marfan syndrome (MFS). Also called: MARFAN SYNDROME, TYPE I; FBN1-Related Marfan Syndrome; Marfan syndrome type 1; Marfan's syndrome; Marfan syndrome, classic. Identifiers: Orphanet 284963, Orphanet 558, MedGen C0024796, MONDO:0007947, OMIM 154700.
Familial thoracic aortic aneurysm and aortic dissection (TAAD). Also called: Thoracic aortic aneurysms and dissections. Identifiers: Orphanet 91387, MedGen C4707243, MONDO:0019625.

Allele frequency attached by ClinVar (database versions not stated): gnomAD exomes below 0.00001.
gnomAD v4.1: 1 of 1,613,368 alleles (0.000062%); no homozygotes.

Submissions (3):

Labcorp Genetics (formerly Invitae), Labcorp
Classification: Pathogenic for Marfan syndrome; Familial thoracic aortic aneurysm and aortic dissection. Last evaluated: 2025-01-10. Review status: criteria provided, single submitter. Criteria: Invitae Variant Classification Sherloc (09022015). Collection method: clinical testing. Allele origin: germline.
Comment: This sequence change replaces cysteine, which is neutral and slightly polar, with tyrosine, which is neutral and polar, at codon 1284 of the FBN1 protein (p.Cys1284Tyr). This variant is not present in population databases (gnomAD no frequency). This missense change has been observed in individual(s) with Marfan syndrome (PMID: 21542060). ClinVar contains an entry for this variant (Variation ID: 449441). Invitae Evidence Modeling of protein sequence and biophysical properties (such as structural, functional, and spatial information, amino acid conservation, physicochemical variation, residue mobility, and thermodynamic stability) indicates that this missense variant is expected to disrupt FBN1 protein function with a positive predictive value of 95%. This variant affects a cysteine residue in the EGF-like, TGFBP or hybrid motif domains of FBN1. Cysteine residues are believed to be involved in intramolecular disulfide bridges and have been shown to be important for FBN1 protein structure (PMID: 16905551, 19349279). In addition, missense substitutions affecting cysteine residues within these domains are significantly overrepresented among patients with Marfan syndrome (PMID: 16571647, 17701892). This variant disrupts the p.Cys1284 amino acid residue in FBN1. Other variant(s) that disrupt this residue have been observed in individuals with FBN1-related conditions (PMID: 16220557, 19159394), which suggests that this may be a clinically significant amino acid residue. For these reasons, this variant has been classified as Pathogenic.

Centre of Medical Genetics, University of Antwerp
Classification: Pathogenic for Marfan syndrome. Last evaluated: 2021-03-01. Review status: criteria provided, single submitter. Criteria: Submitter's publication. Collection method: research. Allele origin: unknown. Affected: yes.
Comment: PM2, PVS2, PP4

GeneDx
Classification: Likely pathogenic. Last evaluated: 2017-08-22. Review status: criteria provided, single submitter. Criteria: GeneDx Variant Classification (06012015). Collection method: clinical testing. Allele origin: germline. Affected: yes.
Comment: The C1284Y variant has been identified in one individual with Marfan syndrome in the published literature (Baetens et al., 2011). The C1284Y variant is not observed in large population cohorts (Lek et al., 2016; 1000 Genomes Consortium et al., 2015; Exome Variant Server). The C1284Y variant is a non-conservative amino acid substitution, which is likely to impact secondary protein structure as these residues differ in polarity, charge, size and/or other properties. This substitution occurs at a position that is conserved across species, and in silico analysis predicts this variant is probably damaging to the protein structure/function. Moreover, this variant affects a Cysteine residue within a calcium-binding EGF-like domain of the FBN1 gene, which may affect disulfide bonding and is predicted to alter the structure and function of the protein. Cysteine substitutions in the calcium-binding EGF-like domains represent the majority of pathogenic missense changes associated with Marfan syndrome (Collod-BÃ©roud et al., 2003).

Literature cited by the submitters: PubMed 21542060 (cited by Labcorp Genetics (formerly Invitae), Labcorp); PubMed 16905551 (cited by Labcorp Genetics (formerly Invitae), Labcorp); PubMed 19349279 (cited by Labcorp Genetics (formerly Invitae), Labcorp); PubMed 16571647 (cited by Labcorp Genetics (formerly Invitae), Labcorp); PubMed 17701892 (cited by Labcorp Genetics (formerly Invitae), Labcorp); PubMed 16220557 (cited by Labcorp Genetics (formerly Invitae), Labcorp); PubMed 19159394 (cited by Labcorp Genetics (formerly Invitae), Labcorp).

NM_000138.5(FBN1):c.3851G>A (p.Cys1284Tyr)

Gene: FBN1 (fibrillin 1; minus strand). Cytogenetic location: 15q21.1.
Variant type: single nucleotide variant.
Coding change: c.3851G>A on transcript NM_000138.5 (MANE Select); coding-DNA position 3851, G replaced by A.
Protein change: p.Cys1284Tyr; replaces cysteine 1284 with tyrosine.
Molecular consequence: missense variant.
Genome position (GRCh38, 1-based): chr15:48,481,768, C>T on the plus strand (G>A on the coding strand, the complement: FBN1 is on the minus strand). VCF-style: chr15-48481768-C-T. GRCh37 (hg19) VCF-style: chr15-48773965-C-T.
Other names: short protein forms C1284Y.
Identifiers: ClinVar variation 449441 (VCV000449441.27), dbSNP rs1555398173, ClinGen allele CA392322568.